The following is an entry in ClinVar:

ClinVar aggregate classification (germline): Pathogenic (1 of 4 stars; one submission).

Allele frequency attached by ClinVar (database versions not stated): gnomAD 0.00001; gnomAD exomes 0.00001.

Submission:

Labcorp Genetics (formerly Invitae), Labcorp
Classification: Pathogenic. Last evaluated: 2022-07-25. Review status: criteria provided, single submitter. Criteria: Invitae Variant Classification Sherloc (09022015). Collection method: clinical testing. Allele origin: germline.
Comment: For these reasons, this variant has been classified as Pathogenic. This variant has not been reported in the literature in individuals affected with POLR3B-related conditions. This variant is not present in population databases (gnomAD no frequency). This sequence change creates a premature translational stop signal (p.Ile113Leufs*26) in the POLR3B gene. It is expected to result in an absent or disrupted protein product. Loss-of-function variants in POLR3B are known to be pathogenic (PMID: 25339210).

Literature cited by the submitters: PubMed 25339210.

NM_018082.6(POLR3B):c.336del (p.Ile113fs)

Gene: POLR3B (RNA polymerase III subunit B; plus strand). Cytogenetic location: 12q23.3.
Variant type: Deletion.
Coding change: c.336del on transcript NM_018082.6 (MANE Select); coding-DNA position 336, one base deleted (T; older notation c.336delT).
Protein change: p.Ile113fs; shifts the reading frame from isoleucine 113.
Molecular consequence: frameshift variant.
Genome position (GRCh38, 1-based): chr12:106,369,615, T deleted. VCF-style (leftmost placement, unchanged base first): chr12-106369614-CT-C. GRCh37 (hg19) VCF-style: chr12-106763392-CT-C.
Other names: c.162del, p.Ile55fs (NM_001160708.2); short protein forms I113fs, I55fs.
Identifiers: ClinVar variation 2096047 (VCV002096047.4), dbSNP rs2036577352, ClinGen allele CA951470034.